The following is an entry in ClinVar:

ClinVar aggregate classification (germline): Uncertain significance (1 of 4 stars; one submission).

Submission:

Mayo Clinic Laboratories, Mayo Clinic
Classification: Uncertain significance. Last evaluated: 2023-06-27. Review status: criteria provided, single submitter. Criteria: ACMG Guidelines, 2015. Collection method: clinical testing. Allele origin: germline. Observed: 1 variant allele.
Comment: PM2

NM_001267550.2(TTN):c.65654C>G (p.Ala21885Gly)

Genes: TTN (titin; minus strand), TTN-AS1 (TTN antisense RNA 1; plus strand). Cytogenetic location: 2q31.2.
Variant type: single nucleotide variant.
Coding change: c.65654C>G on transcript NM_001267550.2 (MANE Select); coding-DNA position 65654, C replaced by G.
Protein change: p.Ala21885Gly; replaces alanine 21885 with glycine.
Molecular consequence: missense variant. On other transcripts: non-coding transcript variant (1).
Genome position (GRCh38, 1-based): chr2:178,583,149, G>C on the plus strand (C>G on the coding strand, the complement: TTN is on the minus strand). VCF-style: chr2-178583149-G-C. GRCh37 (hg19) VCF-style: chr2-179447876-G-C.
Other names: p.Ala19317Gly; c.60731C>G, p.Ala20244Gly (NM_001256850.1); c.38459C>G, p.Ala12820Gly (NM_003319.4); c.57950C>G, p.Ala19317Gly (NM_133378.4); c.38834C>G, p.Ala12945Gly (NM_133432.3); c.39035C>G, p.Ala13012Gly (NM_133437.4); short protein forms A12820G, A12945G, A13012G, A19317G, A20244G, A21885G.
Identifiers: ClinVar variation 2682770 (VCV002682770.1), dbSNP rs2469067142, ClinGen allele CA349433297.